The following is an entry in ClinVar:

NM_001130823.3(DNMT1):c.3523+6C>T

Gene: DNMT1 (DNA methyltransferase 1; minus strand). Cytogenetic location: 19p13.2.
Variant type: single nucleotide variant.
Coding change: c.3523+6C>T on transcript NM_001130823.3 (MANE Select); 6 bases into the intron after coding-DNA position 3523, C replaced by T.
Molecular consequence: intron variant.
Genome position (GRCh38, 1-based): chr19:10,140,775, G>A on the plus strand (C>T on the coding strand, the complement: DNMT1 is on the minus strand). VCF-style: chr19-10140775-G-A. GRCh37 (hg19) VCF-style: chr19-10251451-G-A.
Other names: c.3523+6C>T (NM_001130823.2, LRG_362t1); c.3160+6C>T (NM_001318731.2); c.3475+6C>T (NM_001379.4, NM_001318730.2).
Identifiers: ClinVar variation 539603 (VCV000539603.51), dbSNP rs372240993, ClinGen allele CA9187738.

ClinVar aggregate classification (germline): Conflicting classifications of pathogenicity. Review status: criteria provided, conflicting classifications (1 of 4 stars). 7 submissions from 7 submitters: Uncertain significance (1); Likely benign (6). Last evaluated 2025-12-14.

Conditions:
DNMT1-related disorder. Also called: DNMT1-related condition. Identifiers: MedGen CN381527.
Inborn genetic diseases. Identifiers: MedGen C0950123, MeSH D030342.
Limb-girdle muscular dystrophy (LGMD). Also called: Muscular Dystrophies, Limb-Girdle. Identifiers: Orphanet 263, MedGen C0686353, MeSH D049288, MONDO:0016971, HP:0006785.
Hereditary sensory neuropathy-deafness-dementia syndrome. Also called: HSN IE; Hereditary sensory neuropathy type IE; Hereditary Sensory and Autonomic Neuropathy Type 1E (HSAN1E); NEUROPATHY, HEREDITARY SENSORY, WITH HEARING LOSS AND DEMENTIA. Identifiers: Orphanet 456318, MedGen C3279885, MONDO:0013584, OMIM 614116.

Allele frequency attached by ClinVar (database versions not stated): ESP Exome Variant Server 0.00008; gnomAD 0.00009; gnomAD exomes 0.00010; TOPMed 0.00010; ExAC 0.00012; 1000 Genomes Project 30x 0.00016; 1000 Genomes Project 0.00020.
gnomAD v4.1: 176 of 1,613,958 alleles (0.011%); highest among the groups gnomAD compares: Middle Eastern, 0.082%; no homozygotes.

Submissions (7):

Labcorp Genetics (formerly Invitae), Labcorp
Classification: Uncertain significance for Hereditary sensory neuropathy-deafness-dementia syndrome. Last evaluated: 2025-12-14. Review status: criteria provided, single submitter. Criteria: Invitae Variant Classification Sherloc (09022015). Collection method: clinical testing. Allele origin: germline.
Comment: This sequence change falls in intron 32 of the DNMT1 gene. It does not directly change the encoded amino acid sequence of the DNMT1 protein. It affects a nucleotide within the consensus splice site. This variant is present in population databases (rs372240993, gnomAD 0.02%). This variant has not been reported in the literature in individuals affected with DNMT1-related conditions. ClinVar contains an entry for this variant (Variation ID: 539603). Variants that disrupt the consensus splice site are a relatively common cause of aberrant splicing (PMID: 17576681, 9536098). Algorithms developed to predict the effect of sequence changes on RNA splicing suggest that this variant is not likely to affect RNA splicing. In summary, the available evidence is currently insufficient to determine the role of this variant in disease. Therefore, it has been classified as a Variant of Uncertain Significance.

PreventionGenetics, part of Exact Sciences
Classification: Likely benign for DNMT1-related condition. Last evaluated: 2025-07-24. Review status: criteria provided, single submitter. Criteria: ACMG Guidelines, 2015. Collection method: clinical testing. Allele origin: germline.
Comment: This variant is classified as likely benign based on ACMG/AMP sequence variant interpretation guidelines (Richards et al. 2015 PMID: 25741868, with internal and published modifications).

Blueprint Genetics
Classification: Likely benign. Last evaluated: 2024-11-15. Review status: criteria provided, single submitter. Criteria: ACMG Guidelines, 2015. Collection method: clinical testing. Allele origin: germline.

CeGaT Center for Human Genetics Tuebingen
Classification: Likely benign. Last evaluated: 2023-12-01. Review status: criteria provided, single submitter. Criteria: CeGaT Center For Human Genetics Tuebingen Variant Classification Criteria Version 2. Collection method: clinical testing. Allele origin: germline. Affected: yes. Observed: 2 variant alleles.
Comment: DNMT1: BP4, BS2

Ambry Genetics
Classification: Likely benign for Inborn genetic diseases. Last evaluated: 2020-10-27. Review status: criteria provided, single submitter. Criteria: Ambry Variant Classification Scheme 2023. Collection method: clinical testing. Allele origin: germline.

GeneDx
Classification: Likely benign. Last evaluated: 2019-12-23. Review status: criteria provided, single submitter. Criteria: GeneDx Variant Classification Process June 2021. Collection method: clinical testing. Allele origin: germline. Affected: yes.

Cambridge Genomics Laboratory, East Genomic Laboratory Hub, NHS Genomic Medicine Service
Classification: Likely benign for Limb-girdle muscular dystrophy. Last evaluated: 2019-04-17. Review status: criteria provided, single submitter. Criteria: ACGS Best Practice Guidelines for Variant Classification in Rare Disease 2020. Collection method: clinical testing. Allele origin: germline. Affected: yes. Observed: 1 variant allele.

Literature cited by the submitters: PubMed 17576681 (cited by Labcorp Genetics (formerly Invitae), Labcorp); PubMed 9536098 (cited by Labcorp Genetics (formerly Invitae), Labcorp).